The following is an entry in ClinVar:

ClinVar aggregate classification (germline): Uncertain significance. Review status: criteria provided, multiple submitters, no conflicts (2 of 4 stars). 2 submissions from 2 submitters: Uncertain significance (2). Last evaluated 2024-10-15.

Conditions:
Inborn genetic diseases. Identifiers: MedGen C0950123, MeSH D030342.

gnomAD v4.1: 8 of 1,614,074 alleles (0.0005%); highest among the groups gnomAD compares: Non-Finnish European, 0.00068%; no homozygotes.

Submissions (2):

Ambry Genetics
Classification: Uncertain significance for Inborn genetic diseases. Last evaluated: 2024-10-15. Review status: criteria provided, single submitter. Criteria: Ambry Variant Classification Scheme 2023. Collection method: clinical testing. Allele origin: germline.
Comment: The p.P503S variant (also known as c.1507C>T), located in coding exon 8 of the MECOM gene, results from a C to T substitution at nucleotide position 1507. The proline at codon 503 is replaced by serine, an amino acid with similar properties. This amino acid position is conserved. In addition, this alteration is predicted to be tolerated by in silico analysis. Based on the available evidence, the clinical significance of this variant remains unclear.

Genetic Services Laboratory, University of Chicago
Classification: Uncertain significance. Last evaluated: 2023-02-13. Review status: criteria provided, single submitter. Criteria: ACMG Guidelines, 2015. Collection method: clinical testing. Allele origin: germline. Affected: no.
Comment: DNA sequence analysis of the MECOM gene demonstrated a sequence change, c.943C>T, in exon 7 that results in an amino acid change, p.Pro315Ser. This sequence change does not appear to have been previously described in individuals with MECOM-related disorders. This sequence change has been described in the gnomAD database with a global frequency of 0.001% (dbSNP rs1255000375). The p.Pro315Ser change affects a moderately conserved amino acid residue located in a domain of the MECOM protein that is known to be functional. In-silico pathogenicity prediction tools (SIFT, PolyPhen2, Align GVGD, REVEL) provide contradictory results for the p.Pro315Ser substitution. Due to insufficient evidence and the lack of functional studies, the clinical significance of the p.Pro315Ser change remains unknown at this time.

NM_004991.4(MECOM):c.1507C>T (p.Pro503Ser)

Gene: MECOM (MDS1 and EVI1 complex locus; minus strand). Cytogenetic location: 3q26.2.
Variant type: single nucleotide variant.
Coding change: c.1507C>T on transcript NM_004991.4 (MANE Select); coding-DNA position 1507, C replaced by T.
Protein change: p.Pro503Ser; replaces proline 503 with serine.
Molecular consequence: missense variant. On other transcripts: intron variant (2).
Genome position (GRCh38, 1-based): chr3:169,116,365, G>A on the plus strand (C>T on the coding strand, the complement: MECOM is on the minus strand). VCF-style: chr3-169116365-G-A. GRCh37 (hg19) VCF-style: chr3-168834153-G-A.
Other names: c.1138C>T, p.Pro380Ser (NM_001105077.4); c.943C>T, p.Pro315Ser (NM_001105078.4, NM_001164000.2, NM_001205194.2 and 4 more transcripts); c.946C>T, p.Pro316Ser (NM_001163999.2, NM_001366467.2, NM_001366468.2 and 1 more transcripts); c.1507C>T, p.Pro503Ser (NM_001366466.2); c.1133-598C>T (NM_001366473.2); c.569-598C>T (NM_001366474.2); c.943C>T (NM_001105078.3); short protein forms P316S, P380S, P503S, P315S.
Identifiers: ClinVar variation 3394244 (VCV003394244.3).